The following is an entry in ClinVar:

ClinVar aggregate classification (germline): Uncertain significance (1 of 4 stars; one submission).

Conditions:
Primary ciliary dyskinesia. Also called: Ciliary dyskinesia. Identifiers: Orphanet 244, MedGen C0008780, MONDO:0016575, HP:0012265.

Allele frequency attached by ClinVar (database versions not stated): gnomAD 0.00002.
gnomAD v4.1: 8 of 1,613,954 alleles (0.0005%); highest among the groups gnomAD compares: African/African-American, 0.004%; no homozygotes.

Submission:

Ambry Genetics
Classification: Uncertain significance for Primary ciliary dyskinesia. Last evaluated: 2016-12-01. Review status: criteria provided, single submitter. Criteria: Ambry Variant Classification Scheme 2023. Collection method: clinical testing. Allele origin: germline.
Comment: The p.G4315E variant (also known as c.12944G>A), located in coding exon 75 of the DNAH5 gene, results from a G to A substitution at nucleotide position 12944. The glycine at codon 4315 is replaced by glutamic acid, an amino acid with similar properties. This amino acid position is highly conserved in available vertebrate species. In addition, the in silico prediction for this alteration is inconclusive. Since supporting evidence is limited at this time, the clinical significance of this alteration remains unclear.

NM_001369.3(DNAH5):c.12944G>A (p.Gly4315Glu)

Gene: DNAH5 (dynein axonemal heavy chain 5; minus strand). Cytogenetic location: 5p15.2.
Variant type: single nucleotide variant.
Coding change: c.12944G>A on transcript NM_001369.3 (MANE Select); coding-DNA position 12944, G replaced by A.
Protein change: p.Gly4315Glu; replaces glycine 4315 with glutamic acid.
Molecular consequence: missense variant.
Genome position (GRCh38, 1-based): chr5:13,714,586, C>T on the plus strand (G>A on the coding strand, the complement: DNAH5 is on the minus strand). VCF-style: chr5-13714586-C-T. GRCh37 (hg19) VCF-style: chr5-13714695-C-T.
Other names: short protein forms G4315E.
Identifiers: ClinVar variation 1769173 (VCV001769173.2), dbSNP rs1338759362, ClinGen allele CA359202346.